The following is an entry in ClinVar:

NM_001308093.3(GATA4):c.545G>A (p.Gly182Asp)

Gene: GATA4 (GATA binding protein 4). Cytogenetic location: 8p23.1.
Variant type: single nucleotide variant.
Coding change: c.545G>A on transcript NM_001308093.3 (MANE Select); coding-DNA position 545, G replaced by A.
Protein change: p.Gly182Asp; replaces glycine 182 with aspartic acid.
Molecular consequence: missense variant. On other transcripts: intron variant (3).
Genome position (GRCh38, 1-based): chr8:11,708,857, G>A. VCF-style: chr8-11708857-G-A. GRCh37 (hg19) VCF-style: chr8-11566366-G-A.
Other names: c.545G>A, p.Gly182Asp (NM_002052.5); c.-6+8079G>A (NM_001308094.2); c.-3+843G>A (NM_001374274.1); c.-3+4553G>A (NM_001374273.1); short protein forms G182D.
Identifiers: ClinVar variation 856145 (VCV000856145.9), dbSNP rs1800027591, ClinGen allele CA370309850.

ClinVar aggregate classification (germline): Uncertain significance (1 of 4 stars; one submission).

Conditions:
Atrioventricular septal defect 4 (AVSD4). Identifiers: MedGen C3280781, MONDO:0013747, OMIM 614430.

Submission:

Labcorp Genetics (formerly Invitae), Labcorp
Classification: Uncertain significance for Atrioventricular septal defect 4. Last evaluated: 2019-12-08. Review status: criteria provided, single submitter. Criteria: Invitae Variant Classification Sherloc (09022015). Collection method: clinical testing. Allele origin: germline.
Comment: Algorithms developed to predict the effect of missense changes on protein structure and function (SIFT, PolyPhen-2, Align-GVGD) all suggest that this variant is likely to be tolerated, but these predictions have not been confirmed by published functional studies and their clinical significance is uncertain. This variant has not been reported in the literature in individuals with GATA4-related conditions. The frequency data for this variant in the population databases is considered unreliable, as metrics indicate insufficient coverage at this position in the ExAC database. This sequence change replaces glycine with aspartic acid at codon 182 of the GATA4 protein (p.Gly182Asp). The glycine residue is weakly conserved and there is a moderate physicochemical difference between glycine and aspartic acid. In summary, the available evidence is currently insufficient to determine the role of this variant in disease. Therefore, it has been classified as a Variant of Uncertain Significance.